The following is an entry in ClinVar:

ClinVar aggregate classification (germline): Benign (1 of 4 stars; one submission).

Conditions:
Leigh syndrome (NULS). Also called: Leigh's necrotizing encephalopathy; Leigh's disease; Leigh's syndrome; LEIGH SYNDROME, NUCLEAR; Leigh Syndrome (mtDNA deletion); Leigh Disease. Identifiers: Orphanet 506, MedGen C2931891, MONDO:0009723, OMIM 256000.

Submission:

Wong Mito Lab, Molecular and Human Genetics, Baylor College of Medicine
Classification: Benign for Leigh syndrome. Last evaluated: 2019-10-17. Review status: criteria provided, single submitter. Criteria: Modified ACMG Guidelines (Unpublished). Collection method: clinical testing. Allele origin: germline.
Comment: The NC_012920.1:m.14571T>A (YP_003024037.1:p.Ser35Cys) variant in MTND6 gene is interpretated to be a Benign variant based on the modified ACMG guidelines (unpublished). This variant meets the following evidence codes: BS1, BS2, BP4

NC_012920.1(MT-ND6):m.14571T>A

Gene: MT-ND6 (mitochondrially encoded NADH dehydrogenase 6; minus strand).
Variant type: single nucleotide variant.
Genome position: chrM-14571-T-A.
Identifiers: ClinVar variation 693738 (VCV000693738.1), dbSNP rs1603224793, ClinGen allele CA414823096.